The following is an entry in ClinVar:

ClinVar aggregate classification (germline): Likely benign (1 of 4 stars; one submission).

Allele frequency attached by ClinVar (database versions not stated): 1000 Genomes Project 30x 0.00250; 1000 Genomes Project 0.00260; gnomAD 0.00430 and 0.00439; TOPMed 0.00432.
gnomAD v4.1: 663 of 152,294 alleles (0.44%); highest among the groups gnomAD compares: Non-Finnish European, 0.7%; 3 homozygotes.

Submission:

CeGaT Center for Human Genetics Tuebingen
Classification: Likely benign. Last evaluated: 2026-07-01. Review status: criteria provided, single submitter. Criteria: CeGaT Center For Human Genetics Tuebingen Variant Classification Criteria Version 2. Collection method: clinical testing. Allele origin: germline. Affected: yes. Observed: 25 variant alleles.
Comment: BRD4: BS2

NM_001379291.1(BRD4):c.2159-1047A>T

Gene: BRD4 (bromodomain containing 4; minus strand). Cytogenetic location: 19p13.12.
Variant type: single nucleotide variant.
Coding change: c.2159-1047A>T on transcript NM_001379291.1 (MANE Select); 1047 bases into the intron before coding-DNA position 2159, A replaced by T.
Molecular consequence: intron variant.
Genome position (GRCh38, 1-based): chr19:15,245,809, T>A on the plus strand (A>T on the coding strand, the complement: BRD4 is on the minus strand). VCF-style: chr19-15245809-T-A. GRCh37 (hg19) VCF-style: chr19-15356620-T-A.
Other names: c.2159-1047A>T (NM_058243.3).
Identifiers: ClinVar variation 1701359 (VCV001701359.31), dbSNP rs535427781, ClinGen allele CA305792268.